The following is an entry in ClinVar:

NM_021072.4(HCN1):c.1266G>T (p.Lys422Asn)

Gene: HCN1 (hyperpolarization activated cyclic nucleotide gated potassium channel 1; minus strand). Cytogenetic location: 5p12.
Variant type: single nucleotide variant.
Coding change: c.1266G>T on transcript NM_021072.4 (MANE Select); coding-DNA position 1266, G replaced by T.
Protein change: p.Lys422Asn; replaces lysine 422 with asparagine.
Molecular consequence: missense variant.
Genome position (GRCh38, 1-based): chr5:45,353,211, C>A on the plus strand (G>T on the coding strand, the complement: HCN1 is on the minus strand). VCF-style: chr5-45353211-C-A. GRCh37 (hg19) VCF-style: chr5-45353313-C-A.
Other names: c.1266G>T (NM_021072.3); short protein forms K422N.
Identifiers: ClinVar variation 2757953 (VCV002757953.4), dbSNP rs1476659423, ClinGen allele CA359702213.

ClinVar aggregate classification (germline): Uncertain significance. Review status: criteria provided, multiple submitters, no conflicts (2 of 4 stars). 2 submissions from 2 submitters: Uncertain significance (2). Last evaluated 2024-04-24.

Conditions:
Early-infantile DEE. Also called: Ohtahara syndrome; Early infantile epileptic encephalopathy; Early infantile epileptic encephalopathy with suppression bursts. Identifiers: Orphanet 1934, MedGen C0393706, MONDO:0800491.

Submissions (2):

Labcorp Genetics (formerly Invitae), Labcorp
Classification: Uncertain significance for Early-infantile DEE. Last evaluated: 2024-04-24. Review status: criteria provided, single submitter. Criteria: Invitae Variant Classification Sherloc (09022015). Collection method: clinical testing. Allele origin: germline.
Comment: This sequence change replaces lysine, which is basic and polar, with asparagine, which is neutral and polar, at codon 422 of the HCN1 protein (p.Lys422Asn). This variant is not present in population databases (gnomAD no frequency). This variant has not been reported in the literature in individuals affected with HCN1-related conditions. Advanced modeling of protein sequence and biophysical properties (such as structural, functional, and spatial information, amino acid conservation, physicochemical variation, residue mobility, and thermodynamic stability) performed at Invitae indicates that this missense variant is expected to disrupt HCN1 protein function with a positive predictive value of 80%. In summary, the available evidence is currently insufficient to determine the role of this variant in disease. Therefore, it has been classified as a Variant of Uncertain Significance.

GeneDx
Classification: Uncertain significance. Last evaluated: 2024-02-13. Review status: criteria provided, single submitter. Criteria: GeneDx Variant Classification Process June 2021. Collection method: clinical testing. Allele origin: germline. Affected: yes.
Comment: Not observed at significant frequency in large population cohorts (gnomAD); In silico analysis supports that this missense variant has a deleterious effect on protein structure/function; Has not been previously published as pathogenic or benign to our knowledge